The following is an entry in ClinVar:

NM_198282.4(STING1):c.790C>T (p.Pro264Ser)

Gene: STING1 (stimulator of interferon response cGAMP interactor 1; minus strand). Cytogenetic location: 5q31.2.
Variant type: single nucleotide variant.
Coding change: c.790C>T on transcript NM_198282.4 (MANE Select); coding-DNA position 790, C replaced by T.
Protein change: p.Pro264Ser; replaces proline 264 with serine.
Molecular consequence: missense variant. On other transcripts: intron variant (1).
Genome position (GRCh38, 1-based): chr5:139,477,485, G>A on the plus strand (C>T on the coding strand, the complement: STING1 is on the minus strand). VCF-style: chr5-139477485-G-A. GRCh37 (hg19) VCF-style: chr5-138857070-G-A.
Other names: c.433C>T, p.Pro145Ser (NM_001367258.1); c.759+785C>T (NM_001301738.2); short protein forms P145S, P264S.
Identifiers: ClinVar variation 1058986 (VCV001058986.9), dbSNP rs141928874, ClinGen allele CA3435303.
Genomic context (GRCh38, chr5:139,477,485, plus strand): 5'-TATCCTCCCGGCTAAAGCCAGCTTGACTGTATTGTGACATGGCAAACAAAGTCTGCAAGG[G>A]GGTGGCGTACTCCAGGACACAGGTGCCCGCCTAGAGGAGGTAAGAGGAAGACCAGACTAA-3'
Protein context (NP_938023.1, residues 254-274): AGTCVLEYAT[Pro264Ser]LQTLFAMSQY

ClinVar aggregate classification (germline): Uncertain significance (1 of 4 stars; one submission).

Conditions:
STING-associated vasculopathy with onset in infancy. Also called: Sting-associated vasculopathy, infantile-onset. Identifiers: Orphanet 425120, MedGen C4014722, MONDO:0014405, OMIM 615934.

Allele frequency attached by ClinVar (database versions not stated): gnomAD exomes 0.00001 and below 0.00001; ExAC 0.00001; 1000 Genomes Project 30x 0.00016; gnomAD 0.00001; 1000 Genomes Project 0.00020.
gnomAD v4.1: 11 of 1,614,138 alleles (0.00068%); highest among the groups gnomAD compares: African/African-American, 0.0027%; no homozygotes.

Submission:

Labcorp Genetics (formerly Invitae), Labcorp
Classification: Uncertain significance for STING-associated vasculopathy with onset in infancy. Last evaluated: 2020-10-19. Review status: criteria provided, single submitter. Criteria: Invitae Variant Classification Sherloc (09022015). Collection method: clinical testing. Allele origin: germline.
Comment: In summary, the available evidence is currently insufficient to determine the role of this variant in disease. Therefore, it has been classified as a Variant of Uncertain Significance. Algorithms developed to predict the effect of missense changes on protein structure and function (SIFT, PolyPhen-2, Align-GVGD) all suggest that this variant is likely to be disruptive, but these predictions have not been confirmed by published functional studies and their clinical significance is uncertain. This variant has not been reported in the literature in individuals with TMEM173-related conditions. This variant is present in population databases (rs141928874, ExAC 0.002%). This sequence change replaces proline with serine at codon 264 of the TMEM173 protein (p.Pro264Ser). The proline residue is highly conserved and there is a moderate physicochemical difference between proline and serine.